The following is an entry in ClinVar:

ClinVar aggregate classification (germline): Uncertain significance (1 of 4 stars; one submission).

Conditions:
CDAN1-related disorder. Also called: CDAN1-related condition.

gnomAD v4.1: 82 of 1,614,124 alleles (0.0051%); highest among the groups gnomAD compares: East Asian, 0.025%; 1 homozygote.

Submission:

PreventionGenetics, part of Exact Sciences
Classification: Uncertain significance for CDAN1-related condition. Last evaluated: 2025-06-26. Review status: criteria provided, single submitter. Criteria: ACMG Guidelines, 2015. Collection method: clinical testing. Allele origin: germline.
Comment: The CDAN1 c.2407G>A variant is predicted to result in the amino acid substitution p.Gly803Arg. To our knowledge, this variant has not been reported in the literature. This variant is reported in 0.016% of alleles in individuals of African descent in gnomAD, including a homozygous individual. At this time, the clinical significance of this variant is uncertain due to the absence of conclusive functional and genetic evidence.

NM_138477.4(CDAN1):c.2407G>A (p.Gly803Arg)

Gene: CDAN1 (codanin 1; minus strand). Cytogenetic location: 15q15.2.
Variant type: single nucleotide variant.
Coding change: c.2407G>A on transcript NM_138477.4 (MANE Select); coding-DNA position 2407, G replaced by A.
Protein change: p.Gly803Arg; replaces glycine 803 with arginine.
Molecular consequence: missense variant.
Genome position (GRCh38, 1-based): chr15:42,729,568, C>T on the plus strand (G>A on the coding strand, the complement: CDAN1 is on the minus strand). VCF-style: chr15-42729568-C-T. GRCh37 (hg19) VCF-style: chr15-43021766-C-T.
Other names: short protein forms G803R.
Identifiers: ClinVar variation 4978845 (VCV004978845.1).